The following is an entry in ClinVar:

ClinVar aggregate classification (germline): Uncertain significance (0 of 4 stars; one submission).

Submission:

Leiden Open Variation Database
Classification: Uncertain significance. Last evaluated: 2020-02-28. Review status: no assertion criteria provided. Collection method: curation. Allele origin: germline. Affected: yes.
Comment: Curator: Arleen D. Auerbach. Submitter to LOVD: Arleen D. Auerbach.

NM_004629.2(FANCG):c.60T>A (p.Asn20Lys)

Gene: FANCG (FA complementation group G; minus strand). Cytogenetic location: 9p13.3.
Variant type: single nucleotide variant.
Coding change: c.60T>A on transcript NM_004629.2 (MANE Select); coding-DNA position 60, T replaced by A.
Protein change: p.Asn20Lys; replaces asparagine 20 with lysine.
Molecular consequence: missense variant.
Genome position (GRCh38, 1-based): chr9:35,079,465, A>T on the plus strand (T>A on the coding strand, the complement: FANCG is on the minus strand). VCF-style: chr9-35079465-A-T. GRCh37 (hg19) VCF-style: chr9-35079462-A-T.
Other names: short protein forms N20K.
Identifiers: ClinVar variation 929681 (VCV000929681.1), dbSNP rs1829144538, ClinGen allele CA373315933.